The following is an entry in ClinVar:

ClinVar aggregate classification (germline): Uncertain significance (1 of 4 stars; one submission).

Conditions:
Tuberous sclerosis 2 (TSC2). Identifiers: Orphanet 805, MedGen C1860707, MONDO:0013199, OMIM 613254.

Submission:

Labcorp Genetics (formerly Invitae), Labcorp
Classification: Uncertain significance for Tuberous sclerosis 2. Last evaluated: 2023-11-09. Review status: criteria provided, single submitter. Criteria: Invitae Variant Classification Sherloc (09022015). Collection method: clinical testing. Allele origin: germline.
Comment: This sequence change replaces alanine, which is neutral and non-polar, with serine, which is neutral and polar, at codon 673 of the TSC2 protein (p.Ala673Ser). This variant is not present in population databases (gnomAD no frequency). This variant has not been reported in the literature in individuals affected with TSC2-related conditions. Advanced modeling of protein sequence and biophysical properties (such as structural, functional, and spatial information, amino acid conservation, physicochemical variation, residue mobility, and thermodynamic stability) performed at Invitae indicates that this missense variant is not expected to disrupt TSC2 protein function with a negative predictive value of 95%. In summary, the available evidence is currently insufficient to determine the role of this variant in disease. Therefore, it has been classified as a Variant of Uncertain Significance.

NM_000548.5(TSC2):c.2017G>T (p.Ala673Ser)

Gene: TSC2 (TSC complex subunit 2; plus strand). Cytogenetic location: 16p13.3.
Variant type: single nucleotide variant.
Coding change: c.2017G>T on transcript NM_000548.5 (MANE Select); coding-DNA position 2017, G replaced by T.
Protein change: p.Ala673Ser; replaces alanine 673 with serine.
Molecular consequence: missense variant. On other transcripts: non-coding transcript variant (5).
Genome position (GRCh38, 1-based): chr16:2,071,854, G>T. VCF-style: chr16-2071854-G-T. GRCh37 (hg19) VCF-style: chr16-2121855-G-T.
Other names: c.2017G>T, p.Ala673Ser (NM_001077183.3, NM_001114382.3, NM_001363528.2 and 6 more transcripts); c.1906G>T, p.Ala636Ser (NM_001318827.2, NM_001406670.1, NM_001406678.1); c.1870G>T, p.Ala624Ser (NM_001318829.2, NM_001406675.1, NM_001406676.1 and 1 more transcripts); c.1417G>T, p.Ala473Ser (NM_001318831.2, NM_001406683.1, NM_001406684.1 and 6 more transcripts); c.2050G>T, p.Ala684Ser (NM_001318832.2); c.2107G>T, p.Ala703Ser (NM_001406667.1, NM_001406668.1); c.673G>T, p.Ala225Ser (NM_001406689.1, NM_001406690.1, NM_001406691.1 and 6 more transcripts); c.415G>T, p.Ala139Ser (NM_001406698.1); and 3 more; short protein forms A139S, A673S, A684S, A473S, A519S, A669S, A636S, A225S.
Identifiers: ClinVar variation 2869772 (VCV002869772.3), dbSNP rs2151306062, ClinGen allele CA394274492.
Genomic context (GRCh38, chr16:2,071,854, plus strand): 5'-AGAGGCTCTGAGAAGAAGACCAGCGGCCCCCTTTCTCCTCCCACAGGGCCTCCTGGCCCG[G>T]CGCCTGCAGGCCCCGCCGTGCGGCTGGGGTCCGTGCCCTACTCCCTGCTCTTCCGCGTCC-3'
Protein context (NP_000539.2, residues 663-683): LSPPTGPPGP[Ala673Ser]PAGPAVRLGS